The following is an entry in ClinVar:

NM_001164508.2(NEB):c.8910G>A (p.Trp2970Ter)

Gene: NEB (nebulin; minus strand). Cytogenetic location: 2q23.3.
Variant type: single nucleotide variant.
Coding change: c.8910G>A on transcript NM_001164508.2 (MANE Select); coding-DNA position 8910, G replaced by A.
Protein change: p.Trp2970Ter; replaces tryptophan 2970 with a stop codon.
Molecular consequence: nonsense. On other transcripts: intron variant (1).
Genome position (GRCh38, 1-based): chr2:151,639,364, C>T on the plus strand (G>A on the coding strand, the complement: NEB is on the minus strand). VCF-style: chr2-151639364-C-T. GRCh37 (hg19) VCF-style: chr2-152495878-C-T.
Other names: NM_001164508.2(NEB):c.8910G>A; p.Trp2970Ter; c.8910G>A, p.Trp2970Ter (NM_001164507.2, NM_001271208.2); c.8853+529G>A (NM_004543.5); short protein forms W2970*.
Identifiers: ClinVar variation 2111205 (VCV002111205.5), dbSNP rs2552242936, ClinGen allele CA348807720.

ClinVar aggregate classification (germline): Pathogenic/Likely pathogenic. Review status: criteria provided, multiple submitters, no conflicts (2 of 4 stars). 2 submissions from 2 submitters: Pathogenic (1); Likely pathogenic (1). Last evaluated 2025-03-17.

Conditions:
Nemaline myopathy 2 (NEM2). Also called: Nemaline myopathy 2, autosomal recessive. Identifiers: MedGen C1850569, MONDO:0009725, OMIM 256030.
Nemaline myopathy. Also called: Myopathies, Nemaline. Identifiers: Orphanet 607, MedGen C0206157, MONDO:0018958.

Allele frequency attached by ClinVar (database versions not stated): gnomAD exomes below 0.00001.
gnomAD v4.1: 2 of 1,544,684 alleles (0.00013%); no homozygotes.

Submissions (2):

Broad Center for Mendelian Genomics, Broad Institute of MIT and Harvard
Classification: Likely pathogenic for Nemaline myopathy. Last evaluated: 2025-03-17. Review status: criteria provided, single submitter. Criteria: ACMG Guidelines, 2015. Collection method: curation. Allele origin: germline. Inheritance: Autosomal recessive inheritance.
Comment: The p.Trp2970Ter variant in NEB has not been previously reported in the literature in individuals with nemaline myopathy, but has been identified in 0.004% (2/52210) of European (Finnish) chromosomes by the Genome Aggregation Database (gnomAD). Although this variant has been seen in the general population in a heterozygous state, its frequency is low enough to be consistent with a recessive carrier frequency. This variant has also been reported in ClinVar (Variation ID: 2111205 ) and has been interpreted as pathogenic by Invitae. This nonsense variant leads to a premature termination codon at position 2970, which is predicted to lead to a truncated or absent protein. Loss of function of the NEB gene is an established disease mechanism in autosomal recessive nemaline myopathy. In summary, although additional studies are required to fully establish its clinical significance, this variant is likely pathogenic for autosomal recessive nemaline myopathy. ACMG/AMP Criteria applied: PVS1, PM2_supporting (Richards 2015).

Labcorp Genetics (formerly Invitae), Labcorp
Classification: Pathogenic for Nemaline myopathy 2. Last evaluated: 2022-03-13. Review status: criteria provided, single submitter. Criteria: Invitae Variant Classification Sherloc (09022015). Collection method: clinical testing. Allele origin: germline.
Comment: For these reasons, this variant has been classified as Pathogenic. This variant has not been reported in the literature in individuals affected with NEB-related conditions. This variant is not present in population databases (gnomAD no frequency). This sequence change creates a premature translational stop signal (p.Trp2970*) in the NEB gene. It is expected to result in an absent or disrupted protein product. Loss-of-function variants in NEB are known to be pathogenic (PMID: 25205138).

Literature cited by the submitters: PubMed 25205138 (cited by Labcorp Genetics (formerly Invitae), Labcorp).